The following is an entry in ClinVar:

ClinVar aggregate classification (germline): Uncertain significance. Review status: criteria provided, multiple submitters, no conflicts (2 of 4 stars). 2 submissions from 2 submitters: Uncertain significance (2). Last evaluated 2025-06-07.

Conditions:
Inborn genetic diseases. Identifiers: MedGen C0950123, MeSH D030342.

Allele frequency attached by ClinVar (database versions not stated): gnomAD exomes 0.00002; gnomAD 0.00005 and 0.00006; TOPMed 0.00005.

Submissions (2):

Ambry Genetics
Classification: Uncertain significance for Inborn genetic diseases. Last evaluated: 2025-06-07. Review status: criteria provided, single submitter. Criteria: Ambry Variant Classification Scheme 2023. Collection method: clinical testing. Allele origin: germline.

GeneDx
Classification: Uncertain significance. Last evaluated: 2019-11-05. Review status: criteria provided, single submitter. Criteria: GeneDx Variant Classification Process June 2021. Collection method: clinical testing. Allele origin: germline. Affected: yes.
Comment: In silico analysis, which includes protein predictors and evolutionary conservation, supports a deleterious effect; Has not been previously published as pathogenic or benign to our knowledge

NM_005094.4(SLC27A4):c.544G>A (p.Glu182Lys)

Gene: SLC27A4 (solute carrier family 27 member 4; plus strand). Cytogenetic location: 9q34.11.
Variant type: single nucleotide variant.
Coding change: c.544G>A on transcript NM_005094.4 (MANE Select); coding-DNA position 544, G replaced by A.
Protein change: p.Glu182Lys; replaces glutamic acid 182 with lysine.
Molecular consequence: missense variant.
Genome position (GRCh38, 1-based): chr9:128,345,537, G>A. VCF-style: chr9-128345537-G-A. GRCh37 (hg19) VCF-style: chr9-131107816-G-A.
Other names: short protein forms E182K.
Identifiers: ClinVar variation 1309938 (VCV001309938.3), dbSNP rs770042965, ClinGen allele CA200350885.